The following is an entry in ClinVar:

ClinVar aggregate classification (germline): Pathogenic (1 of 4 stars; one submission).

Submission:

Labcorp Genetics (formerly Invitae), Labcorp
Classification: Pathogenic. Last evaluated: 2023-07-31. Review status: criteria provided, single submitter. Criteria: Invitae Variant Classification Sherloc (09022015). Collection method: clinical testing. Allele origin: germline.
Comment: This sequence change creates a premature translational stop signal (p.Leu284Cysfs*14) in the C9 gene. It is expected to result in an absent or disrupted protein product. Loss-of-function variants in C9 are known to be pathogenic (PMID: 9144525, 9570574). This variant is present in population databases (no rsID available, gnomAD 0.0009%). This variant has not been reported in the literature in individuals affected with C9-related conditions. For these reasons, this variant has been classified as Pathogenic.

Literature cited by the submitters: PubMed 9144525; PubMed 9570574.

NM_001737.5(C9):c.851del (p.Leu284fs)

Gene: C9 (complement C9; minus strand). Cytogenetic location: 5p13.1.
Variant type: Deletion.
Coding change: c.851del on transcript NM_001737.5 (MANE Select); coding-DNA position 851, one base deleted (T; older notation c.851delT).
Protein change: p.Leu284fs; shifts the reading frame from leucine 284.
Molecular consequence: frameshift variant.
Genome position (GRCh38, 1-based): chr5:39,315,794, A deleted on the plus strand (T on the coding strand, the reverse complement: C9 is on the minus strand); the first of 5 consecutive A bases (chr5:39,315,794-39,315,798); deleting any one gives the same sequence. VCF-style (leftmost placement, unchanged base first): chr5-39315793-CA-C. GRCh37 (hg19) VCF-style: chr5-39315895-CA-C.
Other names: short protein forms L284fs.
Identifiers: ClinVar variation 2730113 (VCV002730113.3), dbSNP rs1425386869, ClinGen allele CA559066817.